The following is an entry in ClinVar:

ClinVar aggregate classification (germline): Uncertain significance (1 of 4 stars; one submission).

Allele frequency attached by ClinVar (database versions not stated): gnomAD 0.00001; ESP Exome Variant Server 0.00008; ExAC 0.00014.
gnomAD v4.1: 19 of 1,557,484 alleles (0.0012%); highest among the groups gnomAD compares: East Asian, 0.0072%; no homozygotes.

Submission:

Labcorp Genetics (formerly Invitae), Labcorp
Classification: Uncertain significance. Last evaluated: 2025-11-11. Review status: criteria provided, single submitter. Criteria: Invitae Variant Classification Sherloc (09022015). Collection method: clinical testing. Allele origin: germline.
Comment: This sequence change replaces alanine, which is neutral and non-polar, with threonine, which is neutral and polar, at codon 219 of the COL9A3 protein (p.Ala219Thr). The frequency data for this variant in the population databases is considered unreliable, as metrics indicate poor data quality at this position in the gnomAD database. This variant has not been reported in the literature in individuals affected with COL9A3-related conditions. ClinVar contains an entry for this variant (Variation ID: 2200707). Invitae Evidence Modeling of protein sequence and biophysical properties (such as structural, functional, and spatial information, amino acid conservation, physicochemical variation, residue mobility, and thermodynamic stability) indicates that this missense variant is not expected to disrupt COL9A3 protein function with a negative predictive value of 95%. In summary, the available evidence is currently insufficient to determine the role of this variant in disease. Therefore, it has been classified as a Variant of Uncertain Significance.

NM_001853.4(COL9A3):c.655G>A (p.Ala219Thr)

Gene: COL9A3 (collagen type IX alpha 3 chain; plus strand). Cytogenetic location: 20q13.33.
Variant type: single nucleotide variant.
Coding change: c.655G>A on transcript NM_001853.4 (MANE Select); coding-DNA position 655, G replaced by A.
Protein change: p.Ala219Thr; replaces alanine 219 with threonine.
Molecular consequence: missense variant.
Genome position (GRCh38, 1-based): chr20:62,825,841, G>A. VCF-style: chr20-62825841-G-A. GRCh37 (hg19) VCF-style: chr20-61457193-G-A.
Other names: short protein forms A219T.
Identifiers: ClinVar variation 2200707 (VCV002200707.4), dbSNP rs368416358, ClinGen allele CA9949422.